The following is an entry in ClinVar:

ClinVar aggregate classification (germline): Likely benign (0 of 4 stars; one submission).

Conditions:
KLF1-related disorder. Also called: KLF1-Related Disorders; KLF1-related condition.

Submission:

PreventionGenetics, part of Exact Sciences
Classification: Likely benign for KLF1-related condition. Last evaluated: 2023-07-27. Review status: no assertion criteria provided. Collection method: clinical testing. Allele origin: germline.
Comment: This variant is classified as likely benign based on ACMG/AMP sequence variant interpretation guidelines (Richards et al. 2015 PMID: 25741868, with internal and published modifications).

NM_006563.5(KLF1):c.914-12_914-9del

Genes: KLF1 (KLF transcription factor 1; minus strand), LOC117125591 (CRISPRi-FlowFISH-validated PRDX2 and RAD23A regulatory element; plus strand). Cytogenetic location: 19p13.13.
Variant type: Deletion.
Coding change: c.914-12_914-9del on transcript NM_006563.5 (MANE Select); 12 bases into the intron before coding-DNA position 914 through 9 bases into the intron before coding-DNA position 914, 4 bases deleted (CTTG; older notation c.914-12_914-9delCTTG).
Molecular consequence: intron variant.
Genome position (GRCh38, 1-based): chr19:12,885,069-12,885,072, CAAG deleted on the plus strand (CTTG on the coding strand, the reverse complement: KLF1 is on the minus strand). VCF-style (leftmost placement, unchanged base first): chr19-12885068-ACAAG-A. GRCh37 (hg19) VCF-style: chr19-12995882-ACAAG-A.
Identifiers: ClinVar variation 3037035 (VCV003037035.2), dbSNP rs2512554771, ClinGen allele CA2576403348.